The following is an entry in ClinVar:

NM_000531.6(OTC):c.303del (p.Phe101fs)

Gene: OTC (ornithine transcarbamylase; plus strand). Cytogenetic location: Xp11.4.
Variant type: Deletion.
Coding change: c.303del on transcript NM_000531.6 (MANE Select); coding-DNA position 303, one base deleted (T; older notation c.303delT).
Protein change: p.Phe101fs; shifts the reading frame from phenylalanine 101.
Molecular consequence: frameshift variant.
Genome position (GRCh38, 1-based): chrX:38,381,346, T deleted; the last of 3 consecutive T bases (chrX:38,381,344-38,381,346); deleting any one gives the same sequence. VCF-style (leftmost placement, unchanged base first): chrX-38381343-CT-C. GRCh37 (hg19) VCF-style: chrX-38240596-CT-C.
Other names: short protein forms F101fs.
Identifiers: ClinVar variation 1428221 (VCV001428221.6), dbSNP rs1400669703, ClinGen allele CA2571924132.

ClinVar aggregate classification (germline): Pathogenic (1 of 4 stars; one submission).

Conditions:
Ornithine carbamoyltransferase deficiency (OTCD). Also called: ORNITHINE TRANSCARBAMYLASE DEFICIENCY; Ornithine Carbamoyltransferase Deficiency Disease; ORNITHINE TRANSCARBAMYLASE DEFICIENCY, HYPERAMMONEMIA DUE TO; OTC DEFICIENCY. Identifiers: Orphanet 664, MedGen C0268542, MONDO:0010703, OMIM 311250.

Submission:

Labcorp Genetics (formerly Invitae), Labcorp
Classification: Pathogenic for Ornithine carbamoyltransferase deficiency. Last evaluated: 2021-03-03. Review status: criteria provided, single submitter. Criteria: Invitae Variant Classification Sherloc (09022015). Collection method: clinical testing. Allele origin: germline.
Comment: This sequence change creates a premature translational stop signal (p.Phe101Leufs*20) in the OTC gene. It is expected to result in an absent or disrupted protein product. Loss-of-function variants in OTC are known to be pathogenic (PMID: 10946359, 16786505). This variant is not present in population databases (ExAC no frequency). This variant has not been reported in the literature in individuals with OTC-related conditions. For these reasons, this variant has been classified as Pathogenic.

Literature cited by the submitters: PubMed 10946359; PubMed 16786505.